The following is an entry in ClinVar:

NM_000061.3(BTK):c.889C>T (p.Gln297Ter)

Gene: BTK (Bruton tyrosine kinase; minus strand). Cytogenetic location: Xq22.1.
Variant type: single nucleotide variant.
Coding change: c.889C>T on transcript NM_000061.3 (MANE Select); coding-DNA position 889, C replaced by T.
Protein change: p.Gln297Ter; replaces glutamine 297 with a stop codon.
Molecular consequence: nonsense.
Genome position (GRCh38, 1-based): chrX:101,359,298, G>A on the plus strand (C>T on the coding strand, the complement: BTK is on the minus strand). VCF-style: chrX-101359298-G-A. GRCh37 (hg19) VCF-style: chrX-100614286-G-A.
Other names: c.991C>T, p.Gln331Ter (NM_001287344.2); c.889C>T, p.Gln297Ter (NM_001287345.2); short protein forms Q297*, Q331*.
Identifiers: ClinVar variation 2737298 (VCV002737298.3), dbSNP rs2520579087, ClinGen allele CA413929646.

ClinVar aggregate classification (germline): Pathogenic (1 of 4 stars; one submission).

Conditions:
X-linked agammaglobulinemia with growth hormone deficiency (IGHD3). Also called: AGAMMAGLOBULINEMIA AND ISOLATED GROWTH HORMONE DEFICIENCY, X-LINKED; FLEISHER SYNDROME; Isolated growth hormone deficiency type 3; Growth hormone deficiency with hypogammaglobulinemia; HYPOGAMMAGLOBULINEMIA AND ISOLATED GROWTH HORMONE DEFICIENCY, X-LINKED; IGHD III. Identifiers: Orphanet 231692, Orphanet 631, MedGen C0472813, MONDO:0010615, OMIM 307200.

Submission:

Labcorp Genetics (formerly Invitae), Labcorp
Classification: Pathogenic for X-linked agammaglobulinemia with growth hormone deficiency. Last evaluated: 2023-05-22. Review status: criteria provided, single submitter. Criteria: Invitae Variant Classification Sherloc (09022015). Collection method: clinical testing. Allele origin: germline.
Comment: This premature translational stop signal has been observed in individual(s) with agammaglobulinemia (PMID: 12655572). This sequence change creates a premature translational stop signal (p.Gln297*) in the BTK gene. It is expected to result in an absent or disrupted protein product. Loss-of-function variants in BTK are known to be pathogenic (PMID: 15661032, 16862044, 19419768). This variant is not present in population databases (gnomAD no frequency). For these reasons, this variant has been classified as Pathogenic.

Literature cited by the submitters: PubMed 12655572; PubMed 15661032; PubMed 16862044; PubMed 19419768.